The following is an entry in ClinVar:

ClinVar aggregate classification (germline): Pathogenic (1 of 4 stars; one submission).

Submission:

GeneDx
Classification: Pathogenic. Last evaluated: 2016-04-22. Review status: criteria provided, single submitter. Criteria: GeneDx Variant Classification (06012015). Collection method: clinical testing. Allele origin: germline. Affected: yes.
Comment: The R1984X variant in the SPTA1 gene has not been reported previously as a pathogenic or as a benign variant, to our knowledge. This variant is predicted to cause loss of normal protein function either through protein truncation or nonsense-mediated mRNA decay. The R1984X variant was not observed in approximately 6,100 individuals of European and African American ancestry in the NHLBI Exome Sequencing Project, indicating it is not a common benign variant in these populations. We interpret R1984X as a pathogenic variant.

NM_003126.4(SPTA1):c.5950A>T (p.Arg1984Ter)

Gene: SPTA1 (spectrin alpha, erythrocytic 1; minus strand). Cytogenetic location: 1q23.1.
Variant type: single nucleotide variant.
Coding change: c.5950A>T on transcript NM_003126.4 (MANE Select); coding-DNA position 5950, A replaced by T.
Protein change: p.Arg1984Ter; replaces arginine 1984 with a stop codon.
Molecular consequence: nonsense.
Genome position (GRCh38, 1-based): chr1:158,623,153, T>A on the plus strand (A>T on the coding strand, the complement: SPTA1 is on the minus strand). VCF-style: chr1-158623153-T-A. GRCh37 (hg19) VCF-style: chr1-158592943-T-A.
Other names: short protein forms R1984*.
Identifiers: ClinVar variation 279900 (VCV000279900.2), dbSNP rs886041244, ClinGen allele CA10602745.